The following is an entry in ClinVar:

NM_001292034.3(TAB2):c.574C>T (p.Pro192Ser)

Gene: TAB2 (TGF-beta activated kinase 1 (MAP3K7) binding protein 2; plus strand). Cytogenetic location: 6q25.1.
Variant type: single nucleotide variant.
Coding change: c.574C>T on transcript NM_001292034.3 (MANE Select); coding-DNA position 574, C replaced by T.
Protein change: p.Pro192Ser; replaces proline 192 with serine.
Molecular consequence: missense variant.
Genome position (GRCh38, 1-based): chr6:149,378,489, C>T. VCF-style: chr6-149378489-C-T. GRCh37 (hg19) VCF-style: chr6-149699625-C-T.
Other names: c.478C>T, p.Pro160Ser (NM_001292035.3); c.574C>T, p.Pro192Ser (NM_001369506.1, NM_015093.6); short protein forms P160S, P192S.
Identifiers: ClinVar variation 4179274 (VCV004179274.2).

ClinVar aggregate classification (germline): Uncertain significance (1 of 4 stars; one submission).

Conditions:
Inborn genetic diseases. Identifiers: MedGen C0950123, MeSH D030342.

gnomAD v4.1: 2 of 1,614,192 alleles (0.00012%); highest among the groups gnomAD compares: African/African-American, 0.0013%; no homozygotes.

Submission:

Ambry Genetics
Classification: Uncertain significance for Inborn genetic diseases. Last evaluated: 2026-01-12. Review status: criteria provided, single submitter. Criteria: Ambry Variant Classification Scheme 2023. Collection method: clinical testing. Allele origin: germline.
Comment: The c.574C>T (p.P192S) alteration is located in exon 5 (coding exon 2) of the TAB2 gene. This alteration results from a C to T substitution at nucleotide position 574, causing the proline (P) at amino acid position 192 to be replaced by a serine (S). This variant was not reported in population-based cohorts in the Genome Aggregation Database (gnomAD). This amino acid position is highly conserved in available vertebrate species. This alteration is predicted to be deleterious by in silico analysis. Based on insufficient or conflicting evidence, the clinical significance of this alteration remains unclear.